The following is an entry in ClinVar:

ClinVar aggregate classification (germline): Uncertain significance (1 of 4 stars; one submission).

Allele frequency attached by ClinVar (database versions not stated): gnomAD exomes below 0.00001.
gnomAD v4.1: 1 of 1,614,112 alleles (0.000062%); highest among the groups gnomAD compares: Non-Finnish European, 0.000085%; no homozygotes.

Submission:

GeneDx
Classification: Uncertain significance. Last evaluated: 2022-02-21. Review status: criteria provided, single submitter. Criteria: GeneDx Variant Classification Process June 2021. Collection method: clinical testing. Allele origin: germline. Affected: yes.
Comment: Not observed at significant frequency in large population cohorts (gnomAD); In silico analysis supports that this missense variant does not alter protein structure/function; Has not been previously published as pathogenic or benign to our knowledge

NM_144997.7(FLCN):c.1391A>G (p.Glu464Gly)

Gene: FLCN (folliculin; minus strand). Cytogenetic location: 17p11.2.
Variant type: single nucleotide variant.
Coding change: c.1391A>G on transcript NM_144997.7 (MANE Select); coding-DNA position 1391, A replaced by G.
Protein change: p.Glu464Gly; replaces glutamic acid 464 with glycine.
Molecular consequence: missense variant.
Genome position (GRCh38, 1-based): chr17:17,215,226, T>C on the plus strand (A>G on the coding strand, the complement: FLCN is on the minus strand). VCF-style: chr17-17215226-T-C. GRCh37 (hg19) VCF-style: chr17-17118540-T-C.
Other names: c.1445A>G, p.Glu482Gly (NM_001353229.2); c.1391A>G, p.Glu464Gly (NM_001353230.2, NM_001353231.2); short protein forms E464G, E482G.
Identifiers: ClinVar variation 1702578 (VCV001702578.2), dbSNP rs2046878030, ClinGen allele CA398531227.